The following is an entry in ClinVar:

ClinVar aggregate classification (germline): Uncertain significance (1 of 4 stars; one submission).

Allele frequency attached by ClinVar (database versions not stated): gnomAD exomes 0.00002; gnomAD 0.00005; ExAC 0.00007; TOPMed 0.00010; 1000 Genomes Project 30x 0.00016; 1000 Genomes Project 0.00020.
gnomAD v4.1: 30 of 1,614,066 alleles (0.0019%); highest among the groups gnomAD compares: East Asian, 0.062%; no homozygotes.

Submission:

Labcorp Genetics (formerly Invitae), Labcorp
Classification: Uncertain significance. Last evaluated: 2025-01-18. Review status: criteria provided, single submitter. Criteria: Invitae Variant Classification Sherloc (09022015). Collection method: clinical testing. Allele origin: germline.
Comment: This sequence change affects codon 364 of the CLUAP1 mRNA. It is a 'silent' change, meaning that it does not change the encoded amino acid sequence of the CLUAP1 protein. It affects a nucleotide within the consensus splice site. This variant is present in population databases (rs200842786, gnomAD 0.1%), and has an allele count higher than expected for a pathogenic variant. This variant has not been reported in the literature in individuals affected with CLUAP1-related conditions. ClinVar contains an entry for this variant (Variation ID: 1921369). Algorithms developed to predict the effect of sequence changes on RNA splicing suggest that this variant is not likely to affect RNA splicing. In summary, the available evidence is currently insufficient to determine the role of this variant in disease. Therefore, it has been classified as a Variant of Uncertain Significance.

NM_015041.3(CLUAP1):c.1092T>C (p.Asn364=)

Gene: CLUAP1 (clusterin associated protein 1; plus strand). Cytogenetic location: 16p13.3.
Variant type: single nucleotide variant.
Coding change: c.1092T>C on transcript NM_015041.3 (MANE Select); coding-DNA position 1092, T replaced by C.
Protein change: p.Asn364=; no amino-acid change (asparagine 364 retained).
Molecular consequence: synonymous variant.
Genome position (GRCh38, 1-based): chr16:3,532,841, T>C. VCF-style: chr16-3532841-T-C. GRCh37 (hg19) VCF-style: chr16-3582841-T-C.
Other names: c.1092T>C, p.Asn364= (NM_001330454.2); c.594T>C, p.Asn198= (NM_024793.3).
Identifiers: ClinVar variation 1921369 (VCV001921369.5), dbSNP rs200842786, ClinGen allele CA7863989.